The following is an entry in ClinVar:

NM_000760.4(CSF3R):c.2420A>G (p.Gln807Arg)

Gene: CSF3R (colony stimulating factor 3 receptor; minus strand). Cytogenetic location: 1p34.3.
Variant type: single nucleotide variant.
Coding change: c.2420A>G on transcript NM_000760.4 (MANE Select); coding-DNA position 2420, A replaced by G.
Protein change: p.Gln807Arg; replaces glutamine 807 with arginine.
Molecular consequence: missense variant. On other transcripts: intron variant (1).
Genome position (GRCh38, 1-based): chr1:36,466,448, T>C on the plus strand (A>G on the coding strand, the complement: CSF3R is on the minus strand). VCF-style: chr1-36466448-T-C. GRCh37 (hg19) VCF-style: chr1-36932049-T-C.
Other names: c.2501A>G, p.Gln834Arg (NM_156039.3); c.2247+173A>G (NM_172313.3); short protein forms Q807R, Q834R.
Identifiers: ClinVar variation 2795327 (VCV002795327.3), dbSNP rs960503303, ClinGen allele CA20742046.

ClinVar aggregate classification (germline): Uncertain significance (1 of 4 stars; one submission).

Conditions:
Autosomal recessive severe congenital neutropenia due to CSF3R deficiency. Also called: Neutropenia, severe congenital, 7, autosomal recessive. Identifiers: Orphanet 420702, MedGen C4310764, MONDO:0014865, OMIM 617014.

Allele frequency attached by ClinVar (database versions not stated): gnomAD exomes below 0.00001; gnomAD 0.00001; TOPMed 0.00001.
gnomAD v4.1: 3 of 1,613,152 alleles (0.00019%); highest among the groups gnomAD compares: African/African-American, 0.004%; no homozygotes.

Submission:

Labcorp Genetics (formerly Invitae), Labcorp
Classification: Uncertain significance for Autosomal recessive severe congenital neutropenia due to CSF3R deficiency. Last evaluated: 2023-09-06. Review status: criteria provided, single submitter. Criteria: Invitae Variant Classification Sherloc (09022015). Collection method: clinical testing. Allele origin: germline.
Comment: In summary, the available evidence is currently insufficient to determine the role of this variant in disease. Therefore, it has been classified as a Variant of Uncertain Significance. An algorithm developed to predict the effect of missense changes on protein structure and function (PolyPhen-2) suggests that this variant is likely to be disruptive. This variant has not been reported in the literature in individuals affected with CSF3R-related conditions. This variant is not present in population databases (gnomAD no frequency). This sequence change replaces glutamine, which is neutral and polar, with arginine, which is basic and polar, at codon 807 of the CSF3R protein (p.Gln807Arg).